The following is an entry in ClinVar:

ClinVar aggregate classification (germline): Uncertain significance. Review status: criteria provided, multiple submitters, no conflicts (2 of 4 stars). 3 submissions from 3 submitters: Uncertain significance (3). Last evaluated 2025-12-29.

Conditions:
Oligodontia-cancer predisposition syndrome. Also called: TOOTH AGENESIS-COLORECTAL CANCER SYNDROME. Identifiers: Orphanet 300576, MedGen C1837750, MONDO:0012075, OMIM 608615. Disease mechanism: loss of function.
Hereditary cancer-predisposing syndrome. Also called: Hereditary Cancer Syndrome; Tumor predisposition; Hereditary neoplastic syndrome; Neoplastic Syndromes, Hereditary. Identifiers: Orphanet 140162, MedGen C0027672, MeSH D009386, MONDO:0015356.

Allele frequency attached by ClinVar (database versions not stated): gnomAD exomes below 0.00001 and 0.00002.
gnomAD v4.1: 26 of 1,614,202 alleles (0.0016%); highest among the groups gnomAD compares: Non-Finnish European, 0.0022%; no homozygotes.

Submissions (3):

Labcorp Genetics (formerly Invitae), Labcorp
Classification: Uncertain significance for Oligodontia-cancer predisposition syndrome. Last evaluated: 2025-12-29. Review status: criteria provided, single submitter. Criteria: Invitae Variant Classification Sherloc (09022015). Collection method: clinical testing. Allele origin: germline.
Comment: This sequence change replaces threonine, which is neutral and polar, with alanine, which is neutral and non-polar, at codon 735 of the AXIN2 protein (p.Thr735Ala). This variant is present in population databases (no rsID available, gnomAD 0.0009%). This variant has not been reported in the literature in individuals affected with AXIN2-related conditions. ClinVar contains an entry for this variant (Variation ID: 645611). An algorithm developed to predict the effect of missense changes on protein structure and function outputs the following: PolyPhen-2: "Benign". The alanine amino acid residue is found in multiple mammalian species, which suggests that this missense change does not adversely affect protein function. In summary, the available evidence is currently insufficient to determine the role of this variant in disease. Therefore, it has been classified as a Variant of Uncertain Significance.

Quest Diagnostics Nichols Institute San Juan Capistrano
Classification: Uncertain significance. Last evaluated: 2025-08-12. Review status: criteria provided, single submitter. Criteria: Quest Diagnostics criteria. Collection method: clinical testing. Allele origin: unknown.
Comment: The AXIN2 c.2203A>G (p.Thr735Ala) variant has not been reported in individuals with AXIN2-related conditions in the published literature. The frequency of this variant in the general population (Genome Aggregation Database) is uninformative in the assessment of its pathogenicity. Analysis of this variant using bioinformatics tools for the prediction of the effect of amino acid changes on protein structure and function yielded predictions that this variant is benign. Based on the available information, we are unable to determine the clinical significance of this variant.

Ambry Genetics
Classification: Uncertain significance for Hereditary cancer-predisposing syndrome. Last evaluated: 2025-01-06. Review status: criteria provided, single submitter. Criteria: Ambry Variant Classification Scheme 2023. Collection method: clinical testing. Allele origin: germline.
Comment: The p.T735A variant (also known as c.2203A>G), located in coding exon 8 of the AXIN2 gene, results from an A to G substitution at nucleotide position 2203. The threonine at codon 735 is replaced by alanine, an amino acid with similar properties. This amino acid position is poorly conserved in available vertebrate species. In addition, this alteration is predicted to be tolerated by in silico analysis. Since supporting evidence is limited at this time, the clinical significance of this alteration remains unclear.

NM_004655.4(AXIN2):c.2203A>G (p.Thr735Ala)

Gene: AXIN2 (axin 2; minus strand). Cytogenetic location: 17q24.1.
Variant type: single nucleotide variant.
Coding change: c.2203A>G on transcript NM_004655.4 (MANE Select); coding-DNA position 2203, A replaced by G.
Protein change: p.Thr735Ala; replaces threonine 735 with alanine.
Molecular consequence: missense variant.
Genome position (GRCh38, 1-based): chr17:65,535,660, T>C on the plus strand (A>G on the coding strand, the complement: AXIN2 is on the minus strand). VCF-style: chr17-65535660-T-C. GRCh37 (hg19) VCF-style: chr17-63531778-T-C.
Other names: c.2203A>G (LRG_296t1); c.2008A>G, p.Thr670Ala (NM_001363813.1); short protein forms T735A, T670A.
Identifiers: ClinVar variation 645611 (VCV000645611.12), dbSNP rs1163700628, ClinGen allele CA400675759.